The following is an entry in ClinVar:

NM_003718.5(CDK13):c.2543+5G>C

Gene: CDK13 (cyclin dependent kinase 13; plus strand). Cytogenetic location: 7p14.1.
Variant type: single nucleotide variant.
Coding change: c.2543+5G>C on transcript NM_003718.5 (MANE Select); 5 bases into the intron after coding-DNA position 2543, G replaced by C.
Molecular consequence: intron variant.
Genome position (GRCh38, 1-based): chr7:40,046,030, G>C. VCF-style: chr7-40046030-G-C. GRCh37 (hg19) VCF-style: chr7-40085629-G-C.
Other names: c.2543+5G>C (NM_031267.3).
Identifiers: ClinVar variation 3069011 (VCV003069011.2), dbSNP rs2483940884, ClinGen allele CA2825001545.
Genomic context (GRCh38, chr7:40,046,030, plus strand): 5'-AAGAAGAACTTTTTGCATAGAGATATTAAATGTTCCAATATCCTTCTAAATAATAGGTAT[G>C]GGTATGAACTTTATATATATTTAAAATGAGTTTTACCATGGACATGTACATGGAGAGAAT-3'

ClinVar aggregate classification (germline): Uncertain significance (1 of 4 stars; one submission).

Submission:

Women's Health and Genetics/Laboratory Corporation of America, LabCorp
Classification: Uncertain significance. Last evaluated: 2024-02-08. Review status: criteria provided, single submitter. Criteria: LabCorp Variant Classification Summary - May 2015. Collection method: clinical testing. Allele origin: germline.
Comment: Variant summary: CDK13 c.2543+5G>C alters a conserved nucleotide located close to a canonical splice site and therefore could affect mRNA splicing, leading to a significantly altered protein sequence. Several computational tools predict a significant impact on normal splicing: Two predict the variant abolishes a canonical 5' splicing donor site. One predict the variant weakens a canonical 5' donor site. However, these predictions have yet to be confirmed by functional studies. The variant was absent in 237340 control chromosomes (gnomAD). The available data on variant occurrences in the general population are insufficient to allow any conclusion about variant significance. To our knowledge, no occurrence of c.2543+5G>C in individuals affected with Congenital Heart Defects, Dysmorphic Facial Features, And Intellectual Developmental Disorder and no experimental evidence demonstrating its impact on protein function have been reported. No submitters have cited clinical-significance assessments for this variant to ClinVar. Based on the evidence outlined above, the variant was classified as uncertain significance.